The following is an entry in ClinVar:

ClinVar aggregate classification (germline): Pathogenic (1 of 4 stars; one submission).

Conditions:
Interstitial lung disease due to ABCA3 deficiency. Also called: PULMONARY ALVEOLAR PROTEINOSIS, CONGENITAL, 3. Identifiers: Orphanet 440402, MedGen C1970456, MONDO:0012582, OMIM 610921.

Submission:

Myriad Genetics, Inc.
Classification: Pathogenic for Interstitial lung disease due to ABCA3 deficiency. Last evaluated: 2026-03-08. Review status: criteria provided, single submitter. Criteria: Myriad Autosomal Dominant, Autosomal Recessive and X-Linked Classification Criteria (2023). Collection method: clinical testing. Allele origin: unknown.
Comment: NM_001089.2(ABCA3):c.3458_3459delTCinsG(F1153Cfs*46) is expected to be pathogenic in the context of surfactant deficiency, ABCA3-related. This variant is predicted to lead to an abnormal or absent protein product due to the creation of a premature termination codon in ABCA3, a gene where loss-of-function variants are known to be pathogenic. Please note: this variant was assessed in the context of healthy population screening.

NM_001089.3(ABCA3):c.3458_3459delinsG (p.Phe1153fs)

Gene: ABCA3 (ATP binding cassette subfamily A member 3; minus strand). Cytogenetic location: 16p13.3.
Variant type: Indel.
Coding change: c.3458_3459delinsG on transcript NM_001089.3 (MANE Select); coding-DNA positions 3458 to 3459, TC replaced by G.
Protein change: p.Phe1153fs; shifts the reading frame from phenylalanine 1153.
Molecular consequence: frameshift variant.
Genome position (GRCh38, 1-based): chr16:2,285,466-2,285,467, GA replaced by C on the plus strand (TC replaced by G on the coding strand, the reverse complement: ABCA3 is on the minus strand). VCF-style: chr16-2285466-GA-C. GRCh37 (hg19) VCF-style: chr16-2335467-GA-C.
Other names: short protein forms F1153fs.
Identifiers: ClinVar variation 5015652 (VCV005015652.1).